The following is an entry in ClinVar:

NM_016122.3(CEP83):c.1232T>C (p.Met411Thr)

Gene: CEP83 (centrosomal protein 83; minus strand). Cytogenetic location: 12q22.
Variant type: single nucleotide variant.
Coding change: c.1232T>C on transcript NM_016122.3 (MANE Select); coding-DNA position 1232, T replaced by C.
Protein change: p.Met411Thr; replaces methionine 411 with threonine.
Molecular consequence: missense variant. On other transcripts: non-coding transcript variant (1).
Genome position (GRCh38, 1-based): chr12:94,367,905, A>G on the plus strand (T>C on the coding strand, the complement: CEP83 is on the minus strand). VCF-style: chr12-94367905-A-G. GRCh37 (hg19) VCF-style: chr12-94761681-A-G.
Other names: p.Met411Thr; c.1232T>C, p.Met411Thr (NM_001042399.2, NM_001346457.2, NM_001368037.1 and 1 more transcripts); c.920T>C, p.Met307Thr (NM_001346458.2, NM_001346459.2, NM_001368039.1 and 1 more transcripts); c.1007T>C, p.Met336Thr (NM_001368041.1); short protein forms M336T, M411T, M307T.
Identifiers: ClinVar variation 767517 (VCV000767517.19), dbSNP rs199617764, ClinGen allele CA6721701.

ClinVar aggregate classification (germline): Conflicting classifications of pathogenicity. Review status: criteria provided, conflicting classifications (1 of 4 stars). 6 submissions from 6 submitters: Uncertain significance (2); Benign (1); Likely benign (2). 1 of the submissions does not count toward it. Last evaluated 2026-01-27.

Conditions:
Nephronophthisis 18 (NPHP18). Identifiers: Orphanet 655, MedGen C3890591, MONDO:0014374, OMIM 615862.
CEP83-related disorder. Also called: CEP83-related condition.
Inborn genetic diseases. Identifiers: MedGen C0950123, MeSH D030342.

Allele frequency attached by ClinVar (database versions not stated): gnomAD exomes 0.00018 and 0.00047; ExAC 0.00058; 1000 Genomes Project 0.00160; ESP Exome Variant Server 0.00168; 1000 Genomes Project 30x 0.00172; gnomAD 0.00200 and 0.00216; TOPMed 0.00218.
gnomAD v4.1: 587 of 1,613,628 alleles (0.036%); highest among the groups gnomAD compares: African/African-American, 0.68%; 4 homozygotes.

Submissions (6):

Labcorp Genetics (formerly Invitae), Labcorp
Classification: Likely benign for Nephronophthisis 18. Last evaluated: 2026-01-27. Review status: criteria provided, single submitter. Criteria: Invitae Variant Classification Sherloc (09022015). Collection method: clinical testing. Allele origin: germline.

Blueprint Genetics
Classification: Likely benign. Last evaluated: 2024-10-31. Review status: criteria provided, single submitter. Criteria: ACMG Guidelines, 2015. Collection method: clinical testing. Allele origin: germline.

Mayo Clinic Laboratories, Mayo Clinic
Classification: Benign. Last evaluated: 2023-10-03. Review status: criteria provided, single submitter. Criteria: ACMG Guidelines, 2015. Collection method: clinical testing. Allele origin: germline. Observed: 1 variant allele.
Comment: BS1, BP4_strong

GeneDx
Classification: Uncertain significance. Last evaluated: 2023-05-15. Review status: criteria provided, single submitter. Criteria: GeneDx Variant Classification Process June 2021. Collection method: clinical testing. Allele origin: germline. Affected: yes.
Comment: In silico analysis supports that this missense variant does not alter protein structure/function; Has not been previously published as pathogenic or benign to our knowledge

Ambry Genetics
Classification: Uncertain significance for Inborn genetic diseases. Last evaluated: 2023-02-16. Review status: criteria provided, single submitter. Criteria: Ambry Variant Classification Scheme 2023. Collection method: clinical testing. Allele origin: germline.

PreventionGenetics, part of Exact Sciences
Classification: Likely benign for CEP83-related condition. Last evaluated: 2020-01-10. Review status: no assertion criteria provided. Collection method: clinical testing. Allele origin: germline. Not counted in ClinVar's aggregate classification.
Comment: This variant is classified as likely benign based on ACMG/AMP sequence variant interpretation guidelines (Richards et al. 2015 PMID: 25741868, with internal and published modifications).